The following is an entry in ClinVar:

ClinVar aggregate classification (germline): Uncertain significance (1 of 4 stars; one submission).

Allele frequency attached by ClinVar (database versions not stated): gnomAD 0.00001; gnomAD exomes 0.00001; TOPMed 0.00002 and 0.00001; ExAC 0.00003.
gnomAD v4.1: 16 of 1,613,008 alleles (0.00099%); highest among the groups gnomAD compares: East Asian, 0.029%; no homozygotes.

Submission:

Center for Genomics, Ann and Robert H. Lurie Children's Hospital of Chicago
Classification: Uncertain significance. Last evaluated: 2021-03-30. Review status: criteria provided, single submitter. Criteria: ACMG Guidelines, 2015. Collection method: clinical testing. Allele origin: germline.
Comment: SELE NM_000450 exon 6 c.901+9G>T: This variant has not been reported in the literature but is present in 2/17236 East Asian alleles in the Genome Aggregation Database. Evolutionary conservation and computational predictive tools for this variant are limited or unavailable. This variant is an intronic variant with no predicted change in the amino acid sequence but may have an unknown effect on splicing. Further studies are needed to understand its impact. In summary, data on this variant is insufficient for disease classification. Therefore, the clinical significance of this variant is uncertain.

NM_000450.2(SELE):c.901+9G>T

Gene: SELE (selectin E; minus strand). Cytogenetic location: 1q24.2.
Variant type: single nucleotide variant.
Coding change: c.901+9G>T on transcript NM_000450.2 (MANE Select); 9 bases into the intron after coding-DNA position 901, G replaced by T.
Molecular consequence: intron variant.
Genome position (GRCh38, 1-based): chr1:169,729,479, C>A on the plus strand (G>T on the coding strand, the complement: SELE is on the minus strand). VCF-style: chr1-169729479-C-A. GRCh37 (hg19) VCF-style: chr1-169698620-C-A.
Identifiers: ClinVar variation 626014 (VCV000626014.2), dbSNP rs770740485, ClinGen allele CA1236249.
Genomic context (GRCh38, chr1:169,729,479, plus strand): 5'-CTTGCCCATTTCCAGTATGGGTTGAGAGAAAGAATGTTCACAGTAAGTCTCCATGTGGAA[C>A]AACTCTACCTTTACACGTTGGCTTCTCGTTGTCCCAATTCCCAGATGAGGTACACTGAAG-3'